The following is an entry in ClinVar:

ClinVar aggregate classification (germline): Uncertain significance (1 of 4 stars; one submission).

Conditions:
Hypertrophic cardiomyopathy. Also called: HYPERTROPHIC MYOCARDIOPATHY. Identifiers: Orphanet 217569, MedGen C0007194, MeSH D002312, MONDO:0005045, HP:0001639.

Allele frequency attached by ClinVar (database versions not stated): gnomAD exomes below 0.00001; ExAC 0.00001.
gnomAD v4.1: 1 of 1,610,178 alleles (0.000062%); highest among the groups gnomAD compares: Non-Finnish European, 0.000085%; no homozygotes.

Submission:

Labcorp Genetics (formerly Invitae), Labcorp
Classification: Uncertain significance for Hypertrophic cardiomyopathy. Last evaluated: 2021-11-30. Review status: criteria provided, single submitter. Criteria: Invitae Variant Classification Sherloc (09022015). Collection method: clinical testing. Allele origin: germline.
Comment: In summary, the available evidence is currently insufficient to determine the role of this variant in disease. Therefore, it has been classified as a Variant of Uncertain Significance. Algorithms developed to predict the effect of missense changes on protein structure and function are either unavailable or do not agree on the potential impact of this missense change (SIFT: "Deleterious"; PolyPhen-2: "Benign"; Align-GVGD: "Class C0"). This variant has not been reported in the literature in individuals affected with JPH2-related conditions. This variant is present in population databases (rs764133875, gnomAD 0.0009%). This sequence change replaces alanine, which is neutral and non-polar, with glycine, which is neutral and non-polar, at codon 394 of the JPH2 protein (p.Ala394Gly).

NM_020433.5(JPH2):c.1181C>G (p.Ala394Gly)

Gene: JPH2 (junctophilin 2; minus strand). Cytogenetic location: 20q13.12.
Variant type: single nucleotide variant.
Coding change: c.1181C>G on transcript NM_020433.5 (MANE Select); coding-DNA position 1181, C replaced by G.
Protein change: p.Ala394Gly; replaces alanine 394 with glycine.
Molecular consequence: missense variant.
Genome position (GRCh38, 1-based): chr20:44,118,612, G>C on the plus strand (C>G on the coding strand, the complement: JPH2 is on the minus strand). VCF-style: chr20-44118612-G-C. GRCh37 (hg19) VCF-style: chr20-42747252-G-C.
Other names: short protein forms A394G.
Identifiers: ClinVar variation 1395757 (VCV001395757.6), dbSNP rs764133875, ClinGen allele CA9868705.
Genomic context (GRCh38, chr20:44,118,612, plus strand): 5'-ATGTTGGACTCCTGGTTGGCAGCCAGGGCGGCCTGTTCCGCTGCCTCAGCTTTGGCCTTG[G>C]CGTGGCTTGTCCTATGGAGACAATGTGGCAGAAGACTCAGGATCCTTCCAGAGAACCAGC-3'
Protein context (NP_065166.2, residues 384-404): AEIAASRTSH[Ala394Gly]KAKAEAAEQA